The following is an entry in ClinVar:

NM_001080517.3(SETD5):c.986C>G (p.Ser329Ter)

Gene: SETD5 (SET domain containing 5; plus strand). Cytogenetic location: 3p25.3.
Variant type: single nucleotide variant.
Coding change: c.986C>G on transcript NM_001080517.3 (MANE Select); coding-DNA position 986, C replaced by G.
Protein change: p.Ser329Ter; replaces serine 329 with a stop codon.
Molecular consequence: nonsense.
Genome position (GRCh38, 1-based): chr3:9,442,154, C>G. VCF-style: chr3-9442154-C-G. GRCh37 (hg19) VCF-style: chr3-9483838-C-G.
Other names: c.692C>G, p.Ser231Ter (NM_001292043.2, NM_001349451.2); c.1082C>G, p.Ser361Ter (NM_001437633.1); c.1043C>G, p.Ser348Ter (NM_001437635.1); c.986C>G, p.Ser329Ter (NM_001437643.1); c.1025C>G, p.Ser342Ter (NM_001437701.1); short protein forms S231*, S329*, S342*, S348*, S361*.
Identifiers: ClinVar variation 4993015 (VCV004993015.1).

ClinVar aggregate classification (germline): Pathogenic (1 of 4 stars; one submission).

Conditions:
SETD5-related disorder. Also called: SETD5-related disorders; SETD5-related condition.

Submission:

PreventionGenetics, part of Exact Sciences
Classification: Pathogenic for SETD5-related condition. Last evaluated: 2026-05-26. Review status: criteria provided, single submitter. Criteria: ACMG Guidelines, 2015. Collection method: clinical testing. Allele origin: germline.
Comment: The SETD5 c.986C>G variant is predicted to result in premature protein termination (p.Ser329*). To our knowledge, this variant has not been reported in the literature or in a large population database (gnomAD), indicating this variant is rare. Nonsense variants in SETD5 are expected to be pathogenic. This variant is interpreted as pathogenic.